The following is an entry in ClinVar:

ClinVar aggregate classification (germline): Benign/Likely benign. Review status: criteria provided, multiple submitters, no conflicts (2 of 4 stars). 6 submissions from 6 submitters: Benign (3); Likely benign (2). 1 of the submissions does not count toward it. Last evaluated 2026-01-05.

Conditions:
ITPR1-related disorder. Also called: ITPR1-related condition.
Autosomal dominant cerebellar ataxia. Also called: Spinocerebellar Ataxia, Dominant. Identifiers: Orphanet 99, MedGen C4087347, MONDO:0020380.

Allele frequency attached by ClinVar (database versions not stated): ExAC 0.00057; 1000 Genomes Project 30x 0.00141; ESP Exome Variant Server 0.00170; 1000 Genomes Project 0.00180; gnomAD 0.00188 and 0.00201; TOPMed 0.00199.
gnomAD v4.1: 530 of 1,612,202 alleles (0.033%); highest among the groups gnomAD compares: African/African-American, 0.62%; 4 homozygotes.

Submissions (7):

Labcorp Genetics (formerly Invitae), Labcorp
Classification: Benign. Last evaluated: 2026-01-05. Review status: criteria provided, single submitter. Criteria: Invitae Variant Classification Sherloc (09022015). Collection method: clinical testing. Allele origin: germline.

CeGaT Center for Human Genetics Tuebingen
Classification: Likely benign. Last evaluated: 2023-04-01. Review status: criteria provided, single submitter. Criteria: CeGaT Center For Human Genetics Tuebingen Variant Classification Criteria Version 2. Collection method: clinical testing. Allele origin: germline. Affected: yes. Observed: 1 variant allele.
Comment: ITPR1: BP4, BP7, BS2

Athena Diagnostics
Classification: Benign. Last evaluated: 2021-05-05. Review status: criteria provided, single submitter. Criteria: Athena Diagnostics criteria. Collection method: clinical testing. Allele origin: unknown.

GeneDx
Classification: Likely benign. Last evaluated: 2021-04-15. Review status: criteria provided, single submitter. Criteria: GeneDx Variant Classification Process June 2021. Collection method: clinical testing. Allele origin: germline. Affected: yes.

Illumina Laboratory Services, Illumina
Classification: Benign for Spinocerebellar Ataxia, Dominant. Last evaluated: 2018-01-12. Review status: criteria provided, single submitter. Criteria: ICSL Variant Classification Criteria 13 December 2019. Collection method: clinical testing. Allele origin: germline.
Comment: This variant was observed in the ICSL laboratory as part of a predisposition screen in an ostensibly healthy population. It had not been previously curated by ICSL or reported in the Human Gene Mutation Database (HGMD: prior to June 1st, 2018), and was therefore a candidate for classification through an automated scoring system. Utilizing variant allele frequency, disease prevalence and penetrance estimates, and inheritance mode, an automated score was calculated to assess if this variant is too frequent to cause the disease. Based on the score and internal cut-off values, a variant classified as benign is not then subjected to further curation. The score for this variant resulted in a classification of benign for this disease.

PreventionGenetics, part of Exact Sciences
Classification: Likely benign for ITPR1-related condition. Last evaluated: 2020-04-02. Review status: no assertion criteria provided. Collection method: clinical testing. Allele origin: germline. Not counted in ClinVar's aggregate classification.
Comment: This variant is classified as likely benign based on ACMG/AMP sequence variant interpretation guidelines (Richards et al. 2015 PMID: 25741868, with internal and published modifications).

Dr. Peter K. Rogan Lab, Western University
No classification provided (evidence only). Condition: Uterine corpus endometrial carcinoma. Review status: no classification provided. Collection method: in vitro. Allele origin: not applicable. Functional consequence: retained intron. Not counted in ClinVar's aggregate classification.

NM_001378452.1(ITPR1):c.930G>A (p.Thr310=)

Gene: ITPR1 (inositol 1,4,5-trisphosphate receptor type 1; plus strand). Cytogenetic location: 3p26.1.
Variant type: single nucleotide variant.
Coding change: c.930G>A on transcript NM_001378452.1 (MANE Select); coding-DNA position 930, G replaced by A.
Protein change: p.Thr310=; no amino-acid change (threonine 310 retained).
Molecular consequence: synonymous variant.
Genome position (GRCh38, 1-based): chr3:4,652,197, G>A. VCF-style: chr3-4652197-G-A. GRCh37 (hg19) VCF-style: chr3-4693881-G-A.
Other names: c.930G>A, p.Thr310= (NM_001099952.4, NM_001168272.2, NM_002222.7).
Identifiers: ClinVar variation 345584 (VCV000345584.43), dbSNP rs28565126, ClinGen allele CA2231019.